The following is an entry in ClinVar:

ClinVar aggregate classification (germline): Pathogenic. Review status: criteria provided, single submitter (1 of 4 stars). 2 submissions from 1 submitter: Pathogenic (2). Last evaluated 2021-06-10.

Conditions:
ARID1B-related BAFopathy.
Coffin-Siris syndrome 1 (CSS1). Also called: Mental retardation, autosomal dominant 12; ARID1B-Related Coffin-Siris Syndrome. Identifiers: Orphanet 1465, MedGen C3281201, MONDO:0007617, OMIM 135900. Disease mechanism: gain of function.

Submissions (2):

Baylor Genetics
Classification: Pathogenic for ARID1B-related BAFopathy. Last evaluated: 2021-06-10. Review status: criteria provided, single submitter. Criteria: ACMG Guidelines, 2015. Collection method: clinical testing. Allele origin: de novo. Affected: yes.

Baylor Genetics
Classification: Pathogenic for Coffin-Siris syndrome 1. Last evaluated: 2017-09-01. Review status: criteria provided, single submitter. Criteria: ACMG Guidelines, 2015. Collection method: clinical testing. Allele origin: de novo. Inheritance: Autosomal dominant inheritance. Affected: yes.
Comment: This nonsense mutation is categorized as deleterious according to ACMG guidelines (PMID:18414213).

Literature cited by the submitters: PubMed 25326635.

NM_001374828.1(ARID1B):c.4106C>A (p.Ser1369Ter)

Gene: ARID1B (AT-rich interaction domain 1B; plus strand). Cytogenetic location: 6q25.3.
Variant type: single nucleotide variant.
Coding change: c.4106C>A on transcript NM_001374828.1 (MANE Select); coding-DNA position 4106, C replaced by A.
Protein change: p.Ser1369Ter; replaces serine 1369 with a stop codon.
Molecular consequence: nonsense.
Genome position (GRCh38, 1-based): chr6:157,190,085, C>A. VCF-style: chr6-157190085-C-A. GRCh37 (hg19) VCF-style: chr6-157511219-C-A.
Other names: c.3737C>A, p.Ser1246Ter (NM_020732.3); c.1607C>A, p.Ser536Ter (NM_001363725.2); c.3986C>A, p.Ser1329Ter (NM_001371656.1, NM_001374820.1); c.3947C>A, p.Ser1316Ter (NM_017519.3); short protein forms S1246*, S536*, S1316*, S1329*, S1369*.
Identifiers: ClinVar variation 560951 (VCV000560951.3), dbSNP rs772973856, ClinGen allele CA366235085.